The following is an entry in ClinVar:

ClinVar aggregate classification (germline): Uncertain significance (1 of 4 stars; one submission).

Submission:

GeneDx
Classification: Uncertain significance. Last evaluated: 2024-06-07. Review status: criteria provided, single submitter. Criteria: GeneDx Variant Classification Process June 2021. Collection method: clinical testing. Allele origin: germline. Affected: yes.
Comment: In silico analysis indicates that this missense variant does not alter protein structure/function; Has not been previously published as pathogenic or benign to our knowledge

NM_032229.3(SLITRK6):c.850C>T (p.His284Tyr)

Gene: SLITRK6 (SLIT and NTRK like family member 6; minus strand). Cytogenetic location: 13q31.1.
Variant type: single nucleotide variant.
Coding change: c.850C>T on transcript NM_032229.3 (MANE Select); coding-DNA position 850, C replaced by T.
Protein change: p.His284Tyr; replaces histidine 284 with tyrosine.
Molecular consequence: missense variant.
Genome position (GRCh38, 1-based): chr13:85,795,659, G>A on the plus strand (C>T on the coding strand, the complement: SLITRK6 is on the minus strand). VCF-style: chr13-85795659-G-A. GRCh37 (hg19) VCF-style: chr13-86369794-G-A.
Other names: short protein forms H284Y.
Identifiers: ClinVar variation 3384501 (VCV003384501.1).